The following is an entry in ClinVar:

NM_003672.4(CDC14A):c.977+22C>T

Gene: CDC14A (cell division cycle 14A; plus strand). Cytogenetic location: 1p21.2.
Variant type: single nucleotide variant.
Coding change: c.977+22C>T on transcript NM_003672.4 (MANE Select); 22 bases into the intron after coding-DNA position 977, C replaced by T.
Molecular consequence: intron variant.
Genome position (GRCh38, 1-based): chr1:100,468,116, C>T. VCF-style: chr1-100468116-C-T. GRCh37 (hg19) VCF-style: chr1-100933672-C-T.
Other names: c.803+22C>T (NM_001319211.2); c.977+22C>T (NM_001319210.2, NM_033312.3, NM_033313.3); c.98+22C>T (NM_001319212.2).
Identifiers: ClinVar variation 683329 (VCV000683329.2), dbSNP rs17122599, ClinGen allele CA970746.

ClinVar aggregate classification (germline): Benign. Review status: criteria provided, multiple submitters, no conflicts (2 of 4 stars). 2 submissions from 2 submitters: Benign (2). Last evaluated 2018-06-16.

Allele frequency attached by ClinVar (database versions not stated): 1000 Genomes Project 0.05711; gnomAD 0.05746 and 0.06177; 1000 Genomes Project 30x 0.06059; TOPMed 0.06357; ESP Exome Variant Server 0.06666.
gnomAD v4.1: 17,294 of 1,612,632 alleles (1.1%); highest among the groups gnomAD compares: African/African-American, 20%; 1,517 homozygotes.

Submissions (2):

GeneDx
Classification: Benign. Last evaluated: 2018-06-16. Review status: criteria provided, single submitter. Criteria: GeneDx Variant Classification (06012015). Collection method: clinical testing. Allele origin: germline. Affected: yes.
Comment: This variant is considered likely benign or benign based on one or more of the following criteria: it is a conservative change, it occurs at a poorly conserved position in the protein, it is predicted to be benign by multiple in silico algorithms, and/or has population frequency not consistent with disease.

Breakthrough Genomics
Classification: Benign. Review status: criteria provided, single submitter. Criteria: ACMG Guidelines, 2015. Collection method: not provided. Allele origin: germline. Inheritance: Autosomal recessive inheritance. Affected: yes.